The following is an entry in ClinVar:

ClinVar aggregate classification (germline): Uncertain significance (1 of 4 stars; one submission).

Allele frequency attached by ClinVar (database versions not stated): gnomAD exomes below 0.00001; gnomAD 0.00002.
gnomAD v4.1: 5 of 1,191,122 alleles (0.00042%); highest among the groups gnomAD compares: East Asian, 0.003%; no homozygotes.

Submission:

Labcorp Genetics (formerly Invitae), Labcorp
Classification: Uncertain significance. Last evaluated: 2022-08-22. Review status: criteria provided, single submitter. Criteria: Invitae Variant Classification Sherloc (09022015). Collection method: clinical testing. Allele origin: germline.
Comment: This variant is present in population databases (no rsID available, gnomAD 0.009%). This variant has not been reported in the literature in individuals affected with USP9X-related conditions. Algorithms developed to predict the effect of missense changes on protein structure and function are either unavailable or do not agree on the potential impact of this missense change (SIFT: "Deleterious"; PolyPhen-2: "Benign"; Align-GVGD: "Class C0"). In summary, the available evidence is currently insufficient to determine the role of this variant in disease. Therefore, it has been classified as a Variant of Uncertain Significance. This sequence change replaces asparagine, which is neutral and polar, with serine, which is neutral and polar, at codon 807 of the USP9X protein (p.Asn807Ser).

NM_001039591.3(USP9X):c.2420A>G (p.Asn807Ser)

Gene: USP9X (ubiquitin specific peptidase 9 X-linked; plus strand). Cytogenetic location: Xp11.4.
Variant type: single nucleotide variant.
Coding change: c.2420A>G on transcript NM_001039591.3 (MANE Select); coding-DNA position 2420, A replaced by G.
Protein change: p.Asn807Ser; replaces asparagine 807 with serine.
Molecular consequence: missense variant.
Genome position (GRCh38, 1-based): chrX:41,167,573, A>G. VCF-style: chrX-41167573-A-G. GRCh37 (hg19) VCF-style: chrX-41026826-A-G.
Other names: c.2420A>G, p.Asn807Ser (NM_001039590.3); c.2435A>G, p.Asn812Ser (NM_001410748.1, NM_001410749.1); short protein forms N807S, N812S.
Identifiers: ClinVar variation 1937105 (VCV001937105.5), dbSNP rs1479641727, ClinGen allele CA412756148.
Genomic context (GRCh38, chrX:41,167,573, plus strand): 5'-GCAGAGCTATAGATCTCCTCAAAGAGATATACACGAACCTTGGTCCAAGACTACAAGTCA[A>G]TCAGGTGAGGATTGATGTGCATTAAAACTTCCATATATAATTCTTTCGGCCCCCATTTCT-3'
Protein context (NP_001034680.2, residues 797-817): YTNLGPRLQV[Asn807Ser]QVVIHEDFIQ